The following is an entry in ClinVar:

NM_004646.4(NPHS1):c.2T>C (p.Met1Thr)

Genes: KIRREL2 (kirre like nephrin family adhesion molecule 2; plus strand), NPHS1 (NPHS1 adhesion molecule, nephrin; minus strand). Cytogenetic location: 19q13.12.
Variant type: single nucleotide variant.
Coding change: c.2T>C on transcript NM_004646.4 (MANE Select); coding-DNA position 2, T replaced by C.
Protein change: p.Met1Thr; changes the start codon (methionine 1).
Molecular consequence: missense variant, initiator codon variant.
Genome position (GRCh38, 1-based): chr19:35,851,836, A>G on the plus strand (T>C on the coding strand, the complement: NPHS1 is on the minus strand). VCF-style: chr19-35851836-A-G. GRCh37 (hg19) VCF-style: chr19-36342738-A-G.
Other names: short protein forms M1T.
Identifiers: ClinVar variation 1950836 (VCV001950836.7), dbSNP rs942323517, ClinGen allele CA307791385.
Genomic context (GRCh38, chr19:35,851,836, plus strand): 5'-TCACCTTCAGTCAGCAGCCCCAGGAGCAGGAGAGAAGCCCTGAGCGTCGTCCCCAGGGCC[A>G]TCACAGGTCCCCCTACTGTGACCCCCACAGCGCCCGCTGCCAGCCACCTGCGTCTGTCTG-3'
Protein context (NP_004637.1, residues 1-11): [Met1Thr]ALGTTLRASL

ClinVar aggregate classification (germline): Pathogenic/Likely pathogenic. Review status: criteria provided, multiple submitters, no conflicts (2 of 4 stars). 2 submissions from 2 submitters: Pathogenic (1); Likely pathogenic (1). Last evaluated 2025-03-17.

Conditions:
Finnish congenital nephrotic syndrome (NPHS1). Also called: NEPHROTIC SYNDROME, TYPE 1. Identifiers: Orphanet 839, MedGen C0403399, MONDO:0009732, OMIM 256300.

Submissions (2):

Natera, Inc.
Classification: Likely pathogenic for Finnish congenital nephrotic syndrome. Last evaluated: 2025-03-17. Review status: criteria provided, single submitter. Criteria: Natera Variant Classification Schema (03/2026). Collection method: clinical testing. Allele origin: germline.
Comment: The c.2T>C variant in NPHS1 is predicted to result in start loss due to disruption of the initiator methionine. This variant is expected to result in nonsense mediated decay, truncation, or a dysfunctional protein product. This variant is rare in the general population with a frequency below the threshold expected for the associated phenotype(s). Given the available evidence, this variant is classified as Likely Pathogenic.

Labcorp Genetics (formerly Invitae), Labcorp
Classification: Pathogenic. Last evaluated: 2022-01-24. Review status: criteria provided, single submitter. Criteria: Invitae Variant Classification Sherloc (09022015). Collection method: clinical testing. Allele origin: germline.
Comment: For these reasons, this variant has been classified as Pathogenic. This variant disrupts a region of the NPHS1 protein in which other variant(s) (p.Asp105Asn) have been determined to be pathogenic (PMID: 25349199, 28204945; Invitae). This suggests that this is a clinically significant region of the protein, and that variants that disrupt it are likely to be disease-causing. Experimental studies and prediction algorithms are not available or were not evaluated, and the functional significance of this variant is currently unknown. This variant has not been reported in the literature in individuals affected with NPHS1-related conditions. This variant is not present in population databases (gnomAD no frequency). This sequence change affects the initiator methionine of the NPHS1 mRNA. The next in-frame methionine is located at codon 118.

Literature cited by the submitters: PubMed 25349199 (cited by Labcorp Genetics (formerly Invitae), Labcorp); PubMed 28204945 (cited by Labcorp Genetics (formerly Invitae), Labcorp).